The following is an entry in ClinVar:

NM_001134707.2(SARDH):c.2346G>A (p.Ala782=)

Gene: SARDH (sarcosine dehydrogenase; minus strand). Cytogenetic location: 9q34.2.
Variant type: single nucleotide variant.
Coding change: c.2346G>A on transcript NM_001134707.2 (MANE Select); coding-DNA position 2346, G replaced by A.
Protein change: p.Ala782=; no amino-acid change (alanine 782 retained).
Molecular consequence: synonymous variant.
Genome position (GRCh38, 1-based): chr9:133,670,733, C>T on the plus strand (G>A on the coding strand, the complement: SARDH is on the minus strand). VCF-style: chr9-133670733-C-T. GRCh37 (hg19) VCF-style: chr9-136535855-C-T.
Other names: c.2346G>A, p.Ala782= (NM_007101.4).
Identifiers: ClinVar variation 791575 (VCV000791575.27), dbSNP rs147854817, ClinGen allele CA5313926.

ClinVar aggregate classification (germline): Benign. Review status: criteria provided, multiple submitters, no conflicts (2 of 4 stars). 3 submissions from 3 submitters: Benign (3). Last evaluated 2024-02-01.

Allele frequency attached by ClinVar (database versions not stated): 1000 Genomes Project 30x 0.00156; 1000 Genomes Project 0.00160; TOPMed 0.00528; gnomAD 0.00541 and 0.00565; gnomAD exomes 0.00584; ESP Exome Variant Server 0.00694; ExAC 0.00821.
gnomAD v4.1: 11,639 of 1,588,182 alleles (0.73%); highest among the groups gnomAD compares: Non-Finnish European, 0.91%; 67 homozygotes.

Submissions (3):

CeGaT Center for Human Genetics Tuebingen
Classification: Benign. Last evaluated: 2024-02-01. Review status: criteria provided, single submitter. Criteria: CeGaT Center For Human Genetics Tuebingen Variant Classification Criteria Version 2. Collection method: clinical testing. Allele origin: germline. Affected: yes. Observed: 1 variant allele.
Comment: SARDH: BP4, BP7, BS1, BS2

Labcorp Genetics (formerly Invitae), Labcorp
Classification: Benign. Last evaluated: 2019-12-31. Review status: criteria provided, single submitter. Criteria: Invitae Variant Classification Sherloc (09022015). Collection method: clinical testing. Allele origin: germline.

Breakthrough Genomics
Classification: Benign. Review status: criteria provided, single submitter. Criteria: ACMG Guidelines, 2015. Collection method: not provided. Allele origin: germline. Inheritance: Autosomal recessive inheritance. Affected: yes.